The following is an entry in ClinVar:

NM_001853.4(COL9A3):c.1856G>T (p.Gly619Val)

Gene: COL9A3 (collagen type IX alpha 3 chain; plus strand). Cytogenetic location: 20q13.33.
Variant type: single nucleotide variant.
Coding change: c.1856G>T on transcript NM_001853.4 (MANE Select); coding-DNA position 1856, G replaced by T.
Protein change: p.Gly619Val; replaces glycine 619 with valine.
Molecular consequence: missense variant.
Genome position (GRCh38, 1-based): chr20:62,838,753, G>T. VCF-style: chr20-62838753-G-T. GRCh37 (hg19) VCF-style: chr20-61470105-G-T.
Other names: short protein forms G619V.
Identifiers: ClinVar variation 2130026 (VCV002130026.4), dbSNP rs2063653692, ClinGen allele CA409600238.

ClinVar aggregate classification (germline): Uncertain significance (1 of 4 stars; one submission).

Allele frequency attached by ClinVar (database versions not stated): TOPMed below 0.00001.

Submission:

Labcorp Genetics (formerly Invitae), Labcorp
Classification: Uncertain significance. Last evaluated: 2022-08-05. Review status: criteria provided, single submitter. Criteria: Invitae Variant Classification Sherloc (09022015). Collection method: clinical testing. Allele origin: germline.
Comment: In summary, the available evidence is currently insufficient to determine the role of this variant in disease. Therefore, it has been classified as a Variant of Uncertain Significance. Advanced modeling of protein sequence and biophysical properties (such as structural, functional, and spatial information, amino acid conservation, physicochemical variation, residue mobility, and thermodynamic stability) performed at Invitae indicates that this missense variant is expected to disrupt COL9A3 protein function. This variant has not been reported in the literature in individuals affected with COL9A3-related conditions. This variant is not present in population databases (gnomAD no frequency). This sequence change replaces glycine, which is neutral and non-polar, with valine, which is neutral and non-polar, at codon 619 of the COL9A3 protein (p.Gly619Val).